The following is an entry in ClinVar:

ClinVar aggregate classification (germline): Uncertain significance (1 of 4 stars; one submission).

Conditions:
Primary ciliary dyskinesia. Also called: Ciliary dyskinesia. Identifiers: Orphanet 244, MedGen C0008780, MONDO:0016575, HP:0012265.

Allele frequency attached by ClinVar (database versions not stated): gnomAD exomes below 0.00001 and 0.00001; ExAC 0.00001; gnomAD 0.00001; TOPMed 0.00002.
gnomAD v4.1: 7 of 1,603,172 alleles (0.00044%); highest among the groups gnomAD compares: African/African-American, 0.0081%; no homozygotes.

Submission:

Labcorp Genetics (formerly Invitae), Labcorp
Classification: Uncertain significance for Primary ciliary dyskinesia. Last evaluated: 2022-07-25. Review status: criteria provided, single submitter. Criteria: Invitae Variant Classification Sherloc (09022015). Collection method: clinical testing. Allele origin: germline.
Comment: In summary, the available evidence is currently insufficient to determine the role of this variant in disease. Therefore, it has been classified as a Variant of Uncertain Significance. Variants that disrupt the consensus splice site are a relatively common cause of aberrant splicing (PMID: 17576681, 9536098). Algorithms developed to predict the effect of sequence changes on RNA splicing suggest that this variant may disrupt the consensus splice site. ClinVar contains an entry for this variant (Variation ID: 1519292). This variant has not been reported in the literature in individuals affected with DNAH8-related conditions. This variant is present in population databases (rs762150721, gnomAD 0.01%). This sequence change falls in intron 40 of the DNAH8 gene. It does not directly change the encoded amino acid sequence of the DNAH8 protein. It affects a nucleotide within the consensus splice site.

Literature cited by the submitters: PubMed 17576681; PubMed 9536098.

NM_001206927.2(DNAH8):c.5571+4A>G

Gene: DNAH8 (dynein axonemal heavy chain 8; plus strand). Cytogenetic location: 6p21.2.
Variant type: single nucleotide variant.
Coding change: c.5571+4A>G on transcript NM_001206927.2 (MANE Select); 4 bases into the intron after coding-DNA position 5571, A replaced by G.
Molecular consequence: intron variant.
Genome position (GRCh38, 1-based): chr6:38,852,802, A>G. VCF-style: chr6-38852802-A-G. GRCh37 (hg19) VCF-style: chr6-38820578-A-G.
Other names: c.4920+4A>G (NM_001371.4).
Identifiers: ClinVar variation 1519292 (VCV001519292.6), dbSNP rs762150721, ClinGen allele CA3789415.